The following is an entry in ClinVar:

NM_004547.6(NDUFB4):c.134G>C (p.Arg45Pro)

Genes: NDUFB4 (NADH:ubiquinone oxidoreductase subunit B4; plus strand), LOC129937339 (ATAC-STARR-seq lymphoblastoid active region 20334; plus strand). Cytogenetic location: 3q13.33.
Variant type: single nucleotide variant.
Coding change: c.134G>C on transcript NM_004547.6 (MANE Select); coding-DNA position 134, G replaced by C.
Protein change: p.Arg45Pro; replaces arginine 45 with proline.
Molecular consequence: missense variant.
Genome position (GRCh38, 1-based): chr3:120,596,493, G>C. VCF-style: chr3-120596493-G-C. GRCh37 (hg19) VCF-style: chr3-120315340-G-C.
Other names: c.134G>C, p.Arg45Pro (NM_001168331.2); short protein forms R45P.
Identifiers: ClinVar variation 3771987 (VCV003771987.13).
Genomic context (GRCh38, chr3:120,596,493, plus strand): 5'-TATCTCCGGAAACCCGGCGGGCGCAAGCCGAGCGGTTGGCCATAAGAGCCCAGCTGAAAC[G>C]AGAGTACCTGCTTCAGTACAACGATCCCAACCGCCGAGGGCTCATCGTGAGTGTGGGGCC-3'
Protein context (NP_004538.2, residues 35-55): ERLAIRAQLK[Arg45Pro]EYLLQYNDPN

ClinVar aggregate classification (germline): Uncertain significance (1 of 4 stars; one submission).

Submission:

CeGaT Center for Human Genetics Tuebingen
Classification: Uncertain significance. Last evaluated: 2024-12-01. Review status: criteria provided, single submitter. Criteria: CeGaT Center For Human Genetics Tuebingen Variant Classification Criteria Version 2. Collection method: clinical testing. Allele origin: germline. Affected: yes. Observed: 1 variant allele.
Comment: NDUFB4: PM2, BP4